The following is an entry in ClinVar:

ClinVar aggregate classification (germline): Likely benign (1 of 4 stars; one submission).

Conditions:
Hyperglycinuria. Also called: GLYCINURIA WITH OR WITHOUT OXALATE NEPHROLITHIASIS; GLYCINURIA WITH OR WITHOUT OXALATE UROLITHIASIS; IMINOGLYCINURIA TYPE II. Identifiers: MedGen C0543541, MONDO:0007677, OMIM 138500, HP:0003108.

Allele frequency attached by ClinVar (database versions not stated): ESP Exome Variant Server 0.00031; gnomAD 0.00071 and 0.00191; TOPMed 0.00101; gnomAD exomes 0.00222 and 0.00485; ExAC 0.00528; 1000 Genomes Project 30x 0.01280; 1000 Genomes Project 0.01418.

Submission:

Illumina Laboratory Services, Illumina
Classification: Likely benign for Hyperglycinuria. Last evaluated: 2018-01-12. Review status: criteria provided, single submitter. Criteria: ICSL Variant Classification Criteria 13 December 2019. Collection method: clinical testing. Allele origin: germline.
Comment: This variant was observed in the ICSL laboratory as part of a predisposition screen in an ostensibly healthy population. It had not been previously curated by ICSL or reported in the Human Gene Mutation Database (HGMD: prior to June 1st, 2018), and was therefore a candidate for classification through an automated scoring system. Utilizing variant allele frequency, disease prevalence and penetrance estimates, and inheritance mode, an automated score was calculated to assess if this variant is too frequent to cause the disease. Based on the score and internal cut-off values, a variant classified as likely benign is not then subjected to further curation. The score for this variant resulted in a classification of likely benign for this disease.

NM_020208.4(SLC6A20):c.1059G>A (p.Pro353=)

Gene: SLC6A20 (solute carrier family 6 member 20; minus strand). Cytogenetic location: 3p21.31.
Variant type: single nucleotide variant.
Coding change: c.1059G>A on transcript NM_020208.4 (MANE Select); coding-DNA position 1059, G replaced by A.
Protein change: p.Pro353=; no amino-acid change (proline 353 retained).
Molecular consequence: synonymous variant.
Genome position (GRCh38, 1-based): chr3:45,770,248, C>T on the plus strand (G>A on the coding strand, the complement: SLC6A20 is on the minus strand). VCF-style: chr3-45770248-C-T. GRCh37 (hg19) VCF-style: chr3-45811740-C-T.
Other names: c.948G>A, p.Pro316= (NM_022405.4).
Identifiers: ClinVar variation 345405 (VCV000345405.5), dbSNP rs149854452, ClinGen allele CA2351432.